The following is an entry in ClinVar:

ClinVar aggregate classification (germline): Likely benign (1 of 4 stars; one submission).

Allele frequency attached by ClinVar (database versions not stated): 1000 Genomes Project 0.00080; 1000 Genomes Project 30x 0.00094; TOPMed 0.00211; gnomAD 0.00214; ExAC 0.00221; ESP Exome Variant Server 0.00292.
gnomAD v4.1: 6,303 of 1,613,454 alleles (0.39%); highest among the groups gnomAD compares: Non-Finnish European, 0.5%; 21 homozygotes.

Submission:

CeGaT Center for Human Genetics Tuebingen
Classification: Likely benign. Last evaluated: 2022-08-01. Review status: criteria provided, single submitter. Criteria: CeGaT Center For Human Genetics Tuebingen Variant Classification Criteria Version 2. Collection method: clinical testing. Allele origin: germline. Affected: yes. Observed: 1 variant allele.
Comment: PUM2: BP4, BP7

NM_015317.5(PUM2):c.3096C>T (p.Tyr1032=)

Gene: PUM2 (pumilio RNA binding family member 2; minus strand). Cytogenetic location: 2p24.1.
Variant type: single nucleotide variant.
Coding change: c.3096C>T on transcript NM_015317.5 (MANE Select); coding-DNA position 3096, C replaced by T.
Protein change: p.Tyr1032=; no amino-acid change (tyrosine 1032 retained).
Molecular consequence: synonymous variant.
Genome position (GRCh38, 1-based): chr2:20,251,684, G>A on the plus strand (C>T on the coding strand, the complement: PUM2 is on the minus strand). VCF-style: chr2-20251684-G-A. GRCh37 (hg19) VCF-style: chr2-20451445-G-A.
Other names: c.2928C>T, p.Tyr976= (NM_001282752.3); c.2859C>T, p.Tyr953= (NM_001282790.2, NM_001352925.3, NM_001352926.2 and 2 more transcripts); c.2691C>T, p.Tyr897= (NM_001282791.2, NM_001352929.3); c.3102C>T, p.Tyr1034= (NM_001352917.3); c.3096C>T, p.Tyr1032= (NM_001352918.2, NM_001352919.3); c.2865C>T, p.Tyr955= (NM_001352920.3, NM_001352923.3); c.2418C>T, p.Tyr806= (NM_001352930.3).
Identifiers: ClinVar variation 2650701 (VCV002650701.24), dbSNP rs72785292, ClinGen allele CA1544640.